The following is an entry in ClinVar:

ClinVar aggregate classification (germline): Likely pathogenic. Review status: criteria provided, multiple submitters, no conflicts (2 of 4 stars). 2 submissions from 2 submitters: Likely pathogenic (2). Last evaluated 2024-10-21.

Conditions:
Charcot-Marie-Tooth disease. Also called: Charcot-Marie-Tooth Hereditary Neuropathy; Charcot-Marie-Tooth Neuropathy. Identifiers: Orphanet 166, MedGen C0007959, MONDO:0015626.
Charcot-Marie-Tooth disease, type I (CMT1). Also called: Charcot-Marie-Tooth disease type 1; Charcot-Marie-Tooth, Type 1. Identifiers: Orphanet 65753, MedGen C0751036, MONDO:0019011.

Submissions (2):

Labcorp Genetics (formerly Invitae), Labcorp
Classification: Likely pathogenic for Charcot-Marie-Tooth disease, type I. Last evaluated: 2024-10-21. Review status: criteria provided, single submitter. Criteria: Invitae Variant Classification Sherloc (09022015). Collection method: clinical testing. Allele origin: germline.
Comment: This sequence change affects a donor splice site in intron 3 of the MPZ gene. It is expected to disrupt RNA splicing. Variants that disrupt the donor or acceptor splice site typically lead to a loss of protein function (PMID: 16199547), and loss-of-function variants in MPZ are known to be pathogenic (PMID: 14711881). This variant is not present in population databases (gnomAD no frequency). Disruption of this splice site has been observed in individual(s) with MPZ-related conditions (PMID: 37458168). ClinVar contains an entry for this variant (Variation ID: 917146). Algorithms developed to predict the effect of sequence changes on RNA splicing suggest that this variant may disrupt the consensus splice site. In summary, the currently available evidence indicates that the variant is pathogenic, but additional data are needed to prove that conclusively. Therefore, this variant has been classified as Likely Pathogenic.

Molecular Genetics Laboratory, London Health Sciences Centre
Classification: Likely pathogenic for Charcot-Marie-Tooth disease. Review status: criteria provided, single submitter. Criteria: ACMG Guidelines, 2015. Collection method: clinical testing. Allele origin: germline. Affected: yes.

Literature cited by the submitters: PubMed 16199547 (cited by Labcorp Genetics (formerly Invitae), Labcorp); PubMed 14711881 (cited by Labcorp Genetics (formerly Invitae), Labcorp); PubMed 37458168 (cited by Labcorp Genetics (formerly Invitae), Labcorp).

NM_000530.8(MPZ):c.448+2T>G

Gene: MPZ (myelin protein zero; minus strand). Cytogenetic location: 1q23.3.
Variant type: single nucleotide variant.
Coding change: c.448+2T>G on transcript NM_000530.8 (MANE Select); the canonical splice donor site of the intron after coding-DNA position 448, T replaced by G.
Molecular consequence: splice donor variant.
Genome position (GRCh38, 1-based): chr1:161,306,706, A>C on the plus strand (T>G on the coding strand, the complement: MPZ is on the minus strand). VCF-style: chr1-161306706-A-C. GRCh37 (hg19) VCF-style: chr1-161276496-A-C.
Other names: c.448+2T>G (NM_001315491.2).
Identifiers: ClinVar variation 917146 (VCV000917146.4), dbSNP rs1670257221, ClinGen allele CA343348052.